The following is an entry in ClinVar:

ClinVar aggregate classification (germline): Likely benign. Review status: criteria provided, multiple submitters, no conflicts (2 of 4 stars). 2 submissions from 2 submitters: Likely benign (2). Last evaluated 2025-02-02.

Allele frequency attached by ClinVar (database versions not stated): gnomAD 0.00012 and 0.00013; TOPMed 0.00012.
gnomAD v4.1: 263 of 1,613,630 alleles (0.016%); highest among the groups gnomAD compares: Non-Finnish European, 0.021%; no homozygotes.

Submissions (2):

Labcorp Genetics (formerly Invitae), Labcorp
Classification: Likely benign. Last evaluated: 2025-02-02. Review status: criteria provided, single submitter. Criteria: Invitae Variant Classification Sherloc (09022015). Collection method: clinical testing. Allele origin: germline.

GeneDx
Classification: Likely benign. Last evaluated: 2015-10-26. Review status: criteria provided, single submitter. Criteria: GeneDx Variant Classification (06012015). Collection method: clinical testing. Allele origin: germline. Affected: yes.
Comment: This variant is considered likely benign or benign based on one or more of the following criteria: it is a conservative change, it occurs at a poorly conserved position in the protein, it is predicted to be benign by multiple in silico algorithms, and/or has population frequency not consistent with disease.

NM_006420.3(ARFGEF2):c.2974-18A>G

Gene: ARFGEF2 (ARF guanine nucleotide exchange factor 2; plus strand). Cytogenetic location: 20q13.13.
Variant type: single nucleotide variant.
Coding change: c.2974-18A>G on transcript NM_006420.3 (MANE Select); 18 bases into the intron before coding-DNA position 2974, A replaced by G.
Molecular consequence: intron variant.
Genome position (GRCh38, 1-based): chr20:48,994,433, A>G. VCF-style: chr20-48994433-A-G. GRCh37 (hg19) VCF-style: chr20-47610970-A-G.
Identifiers: ClinVar variation 381308 (VCV000381308.3), dbSNP rs754835858, ClinGen allele CA9898792.
Genomic context (GRCh38, chr20:48,994,433, plus strand): 5'-ATGACTAACTTAAGATTACAGTGCCCTTTTTCTAGCTGTAAGGTAGGAACTCATTTCTTC[A>G]TGCCTTCTTTCTCTTAGATCTTGAAATGCATCAGCCAGCTGGAGCTCGCTCAGCTGATAG-3'